The following is an entry in ClinVar:

ClinVar aggregate classification (germline): Conflicting classifications of pathogenicity. Review status: criteria provided, conflicting classifications (1 of 4 stars). 3 submissions from 3 submitters: Uncertain significance (2); Likely benign (1). Last evaluated 2025-12-04.

Conditions:
SIN3A-related syndromic intellectual disability.
Inborn genetic diseases. Identifiers: MedGen C0950123, MeSH D030342.

gnomAD v4.1: 72 of 1,613,732 alleles (0.0045%); highest among the groups gnomAD compares: Non-Finnish European, 0.0052%; no homozygotes.

Submissions (3):

Dasa
Classification: Uncertain significance for SIN3A-related syndromic intellectual disability. Last evaluated: 2025-12-04. Review status: criteria provided, single submitter. Criteria: DASA Assertion Criteria. Collection method: clinical testing. Allele origin: germline.
Comment: NM_001145358.2(SIN3A):c.820T>C (p.Ser274Pro) is a missense variant that results in the substitution of serine with proline. This variant is rare in population databases. The currently available literature and clinical evidence are not sufficient to establish a definitive association between this variant and the reported condition. Therefore, this variant is classified as a variant of uncertain significance.

Labcorp Genetics (formerly Invitae), Labcorp
Classification: Uncertain significance. Last evaluated: 2024-08-17. Review status: criteria provided, single submitter. Criteria: Invitae Variant Classification Sherloc (09022015). Collection method: clinical testing. Allele origin: germline.
Comment: This sequence change replaces serine, which is neutral and polar, with proline, which is neutral and non-polar, at codon 274 of the SIN3A protein (p.Ser274Pro). This variant is present in population databases (rs746118081, gnomAD 0.01%). This variant has not been reported in the literature in individuals affected with SIN3A-related conditions. Invitae Evidence Modeling of protein sequence and biophysical properties (such as structural, functional, and spatial information, amino acid conservation, physicochemical variation, residue mobility, and thermodynamic stability) indicates that this missense variant is not expected to disrupt SIN3A protein function with a negative predictive value of 80%. In summary, the available evidence is currently insufficient to determine the role of this variant in disease. Therefore, it has been classified as a Variant of Uncertain Significance.

Ambry Genetics
Classification: Likely benign for Inborn genetic diseases. Last evaluated: 2024-03-31. Review status: criteria provided, single submitter. Criteria: Ambry Variant Classification Scheme 2023. Collection method: clinical testing. Allele origin: germline.

NM_001145358.2(SIN3A):c.820T>C (p.Ser274Pro)

Gene: SIN3A (SIN3 transcription regulator family member A; minus strand). Cytogenetic location: 15q24.2.
Variant type: single nucleotide variant.
Coding change: c.820T>C on transcript NM_001145358.2 (MANE Select); coding-DNA position 820, T replaced by C.
Protein change: p.Ser274Pro; replaces serine 274 with proline.
Molecular consequence: missense variant.
Genome position (GRCh38, 1-based): chr15:75,411,680, A>G on the plus strand (T>C on the coding strand, the complement: SIN3A is on the minus strand). VCF-style: chr15-75411680-A-G. GRCh37 (hg19) VCF-style: chr15-75704021-A-G.
Other names: c.820T>C, p.Ser274Pro (NM_001145357.2, NM_015477.3); short protein forms S274P.
Identifiers: ClinVar variation 3318552 (VCV003318552.5).